The following is an entry in ClinVar:

NM_144997.7(FLCN):c.1211C>A (p.Pro404Gln)

Gene: FLCN (folliculin; minus strand). Cytogenetic location: 17p11.2.
Variant type: single nucleotide variant.
Coding change: c.1211C>A on transcript NM_144997.7 (MANE Select); coding-DNA position 1211, C replaced by A.
Protein change: p.Pro404Gln; replaces proline 404 with glutamine.
Molecular consequence: missense variant.
Genome position (GRCh38, 1-based): chr17:17,216,469, G>T on the plus strand (C>A on the coding strand, the complement: FLCN is on the minus strand). VCF-style: chr17-17216469-G-T. GRCh37 (hg19) VCF-style: chr17-17119783-G-T.
Other names: c.1265C>A, p.Pro422Gln (NM_001353229.2); c.1211C>A, p.Pro404Gln (NM_001353230.2, NM_001353231.2); short protein forms P404Q, P422Q.
Identifiers: ClinVar variation 853429 (VCV000853429.7), dbSNP rs2046926816, ClinGen allele CA398531905.

ClinVar aggregate classification (germline): Uncertain significance (1 of 4 stars; one submission).

Conditions:
Birt-Hogg-Dube syndrome. Also called: Birt Hogg Dubé syndrome. Identifiers: Orphanet 122, MedGen C0346010, MONDO:0800444.

Submission:

Labcorp Genetics (formerly Invitae), Labcorp
Classification: Uncertain significance for Birt-Hogg-Dube syndrome. Last evaluated: 2019-11-26. Review status: criteria provided, single submitter. Criteria: Invitae Variant Classification Sherloc (09022015). Collection method: clinical testing. Allele origin: germline.
Comment: In summary, the available evidence is currently insufficient to determine the role of this variant in disease. Therefore, it has been classified as a Variant of Uncertain Significance. Algorithms developed to predict the effect of missense changes on protein structure and function (SIFT, PolyPhen-2, Align-GVGD) all suggest that this variant is likely to be tolerated, but these predictions have not been confirmed by published functional studies and their clinical significance is uncertain. This variant has not been reported in the literature in individuals with FLCN-related conditions. This variant is not present in population databases (ExAC no frequency). This sequence change replaces proline with glutamine at codon 404 of the FLCN protein (p.Pro404Gln). The proline residue is moderately conserved and there is a moderate physicochemical difference between proline and glutamine.